The following is an entry in ClinVar:

ClinVar aggregate classification (germline): Uncertain significance (1 of 4 stars; one submission).

Conditions:
Catecholaminergic polymorphic ventricular tachycardia 1. Also called: VENTRICULAR TACHYCARDIA, STRESS-INDUCED POLYMORPHIC 1; RYR2-Related Catecholaminergic Polymorphic Ventricular Tachycardia; VENTRICULAR TACHYCARDIA, CATECHOLAMINERGIC POLYMORPHIC, 1, WITH OR WITHOUT ATRIAL DYSFUNCTION AND/OR DILATED CARDIOMYOPATHY. Identifiers: Orphanet 3286, MedGen C1631597, MONDO:0011484, OMIM 604772.

Submission:

Labcorp Genetics (formerly Invitae), Labcorp
Classification: Uncertain significance for Catecholaminergic polymorphic ventricular tachycardia 1. Last evaluated: 2026-01-19. Review status: criteria provided, single submitter. Criteria: Invitae Variant Classification Sherloc (09022015). Collection method: clinical testing. Allele origin: germline.
Comment: This sequence change replaces methionine, which is neutral and non-polar, with threonine, which is neutral and polar, at codon 1953 of the RYR2 protein (p.Met1953Thr). This variant is not present in population databases (gnomAD no frequency). This variant has not been reported in the literature in individuals affected with RYR2-related conditions. ClinVar contains an entry for this variant (Variation ID: 2107175). Invitae Evidence Modeling of protein sequence and biophysical properties (such as structural, functional, and spatial information, amino acid conservation, physicochemical variation, residue mobility, and thermodynamic stability) has been performed for this missense variant. However, the output from this modeling did not meet the statistical confidence thresholds required to predict the impact of this variant on RYR2 protein function. In summary, the available evidence is currently insufficient to determine the role of this variant in disease. Therefore, it has been classified as a Variant of Uncertain Significance.

NM_001035.3(RYR2):c.5858T>C (p.Met1953Thr)

Gene: RYR2 (ryanodine receptor 2; plus strand). Cytogenetic location: 1q43.
Variant type: single nucleotide variant.
Coding change: c.5858T>C on transcript NM_001035.3 (MANE Select); coding-DNA position 5858, T replaced by C.
Protein change: p.Met1953Thr; replaces methionine 1953 with threonine.
Molecular consequence: missense variant.
Genome position (GRCh38, 1-based): chr1:237,617,428, T>C. VCF-style: chr1-237617428-T-C. GRCh37 (hg19) VCF-style: chr1-237780728-T-C.
Other names: short protein forms M1953T.
Identifiers: ClinVar variation 2107175 (VCV002107175.4), dbSNP rs2148614340, ClinGen allele CA345407303.
Genomic context (GRCh38, chr1:237,617,428, plus strand): 5'-TGGCTAAGCTCCAAGACAATCAACGTTTCCGATACAACGAAGTCATGCAAGCCTTAAACA[T>C]GTCAGCTGCACTCACAGCCAGGAAGACAAAGGAATTTAGATCACCACCTCAAGAACAGGT-3'
Protein context (NP_001026.2, residues 1943-1963): RYNEVMQALN[Met1953Thr]SAALTARKTK